The following is an entry in ClinVar:

NM_000535.7(PMS2):c.1714_1717delinsACAT (p.Ala572_Thr573delinsThrSer)

Gene: PMS2 (PMS1 homolog 2, mismatch repair system component; minus strand). Cytogenetic location: 7p22.1.
Variant type: Indel.
Coding change: c.1714_1717delinsACAT on transcript NM_000535.7 (MANE Select); coding-DNA positions 1714 to 1717, GCAA replaced by ACAT.
Protein change: p.Ala572_Thr573delinsThrSer.
Molecular consequence: missense variant. On other transcripts: non-coding transcript variant (1).
Genome position (GRCh38, 1-based): chr7:5,987,048-5,987,051, TTGC replaced by ATGT on the plus strand (GCAA replaced by ACAT on the coding strand, the reverse complement: PMS2 is on the minus strand). VCF-style: chr7-5987048-TTGC-ATGT. GRCh37 (hg19) VCF-style: chr7-6026679-TTGC-ATGT.
Other names: c.1309_1312delinsACAT, p.Ala437_Thr438delinsThrSer (NM_001322003.2, NM_001322004.2, NM_001322005.2 and 1 more transcripts); c.1558_1561delinsACAT, p.Ala520_Thr521delinsThrSer (NM_001322006.2); c.1396_1399delinsACAT, p.Ala466_Thr467delinsThrSer (NM_001322007.2, NM_001322008.2); c.1153_1156delinsACAT, p.Ala385_Thr386delinsThrSer (NM_001322010.2); c.781_784delinsACAT, p.Ala261_Thr262delinsThrSer (NM_001322011.2, NM_001322012.2); c.1141_1144delinsACAT, p.Ala381_Thr382delinsThrSer (NM_001322013.2); c.1714_1717delinsACAT, p.Ala572_Thr573delinsThrSer (NM_001322014.2); c.1405_1408delinsACAT, p.Ala469_Thr470delinsThrSer (NM_001322015.2); and 1 more.
Identifiers: ClinVar variation 411042 (VCV000411042.45), dbSNP rs1060503126, ClinGen allele CA16612121.

ClinVar aggregate classification (germline): Conflicting classifications of pathogenicity. Review status: criteria provided, conflicting classifications (1 of 4 stars). 6 submissions from 6 submitters: Uncertain significance (5); Benign (1). Last evaluated 2026-07-02.

Conditions:
PMS2-related disorder. Also called: PMS2-related condition.
Hereditary nonpolyposis colorectal neoplasms. Identifiers: MedGen C0009405, MeSH D003123.
Mismatch repair cancer syndrome 4. Identifiers: MedGen C5436817, MONDO:0030843, OMIM 619101.
Lynch syndrome 4 (LYNCH4). Also called: Colorectal cancer, hereditary nonpolyposis, type 4; Hereditary non-polyposis colorectal cancer, type 4. Identifiers: Orphanet 144, MedGen C1838333, MONDO:0013699, OMIM 614337. Disease mechanism: loss of function.

Submissions (6):

PreventionGenetics, part of Exact Sciences
Classification: Uncertain significance for PMS2-related condition. Last evaluated: 2026-07-02. Review status: criteria provided, single submitter. Criteria: ACMG Guidelines, 2015. Collection method: clinical testing. Allele origin: germline.
Comment: The PMS2 c.1714_1717delinsACAT variant is predicted to result in an in-frame deletion and insertion. This variant has been reported as two separate variants, c.1714G>A (p.Ala572Thr) and c.1717A>T (p.Thr573Ser), in an individual with suspected Lynch syndrome undergoing cancer predisposition genetic testing (Supplemental Table 1, Yurgelun et al. 2015. PubMed ID: 25980754). To our knowledge, the c.1714_1717delinsACAT variant has not been reported in a large population database (gnomAD), indicating this variant is rare, and has conflicting interpretations in ClinVar, ranging from uncertain to benign (Variation ID: 411042). At this time, the clinical significance of this variant is uncertain due to the absence of conclusive functional and genetic evidence.

GeneDx
Classification: Uncertain significance. Last evaluated: 2025-04-25. Review status: criteria provided, single submitter. Criteria: GeneDx Variant Classification Process June 2021. Collection method: clinical testing. Allele origin: germline. Affected: yes.
Comment: In-frame deletion of 2 amino acids that are replaced by 2 different amino acids in a non-repeat region; In silico analysis indicates that this variant does not alter protein structure/function; Reported in an individual undergoing multigene cancer panel testing due to a history of a Lynch-related cancer and/or polyps (PMID: 25980754); Not observed at significant frequency in large population cohorts (gnomAD); This variant is associated with the following publications: (PMID: 17016615, 25980754)

Women's Health and Genetics/Laboratory Corporation of America, LabCorp
Classification: Uncertain significance. Last evaluated: 2023-01-10. Review status: criteria provided, single submitter. Criteria: LabCorp Variant Classification Summary - May 2015. Collection method: clinical testing. Allele origin: germline.
Comment: Variant summary: PMS2 c.1714_1717delinsACAT (p.Ala572_Thr573delinsThrSer) results in an in-frame deletion-insertion that is predicted to delete/insert 2 amino acids from the protein. The frequency of this variant in the general population could not be determined as the technology used for large population databases (ExAC, gnomAD, ESP, 1000G) cannot detect variants of this type. Nevertheless, the constituent variants of this deletion-insertion variant (i.e. c.1714G>A/p.Ala572Thr and c.1717A>T/p.Thr573Ser), are found to co-occur (and are likely part of the same haplotype) in at least some individuals in gnomAD v2.1.1, with the allele frequency being lower than the estimated maximal expected allele frequency for pathogenic variant in PMS2 causing Lynch Syncdrome phenotype (0.00011). However, control population data need to be cautiously considered since the variants lie within a region of the PMS2 gene that has high pseudogene homology. The available data on variant occurrences in the general population are insufficient to allow any conclusion about variant significance. c.1714G>A and c.1717A>T have been reported to co-occur in one individual affected with Lynch Syndrome (Yurgelun_2015). These report(s) do not provide unequivocal conclusions about association of the variant with Lynch Syndrome. To our knowledge, no experimental evidence demonstrating an impact on protein function has been reported. Three ClinVar submitters (evaluation after 2014) cite the variant as uncertain significance. Based on the evidence outlined above, the variant was classified as uncertain significance.

Department of Pathology and Laboratory Medicine, Sinai Health System
Classification: Uncertain significance for Lynch syndrome 4; Mismatch repair cancer syndrome 4. Last evaluated: 2022-11-08. Review status: criteria provided, single submitter. Criteria: ACMG Guidelines, 2015. Collection method: clinical testing. Allele origin: germline.

Labcorp Genetics (formerly Invitae), Labcorp
Classification: Benign for Hereditary nonpolyposis colorectal neoplasms. Last evaluated: 2022-06-04. Review status: criteria provided, single submitter. Criteria: Invitae Variant Classification Sherloc (09022015). Collection method: clinical testing. Allele origin: germline.

Fulgent Genetics
Classification: Uncertain significance for Lynch syndrome 4; Mismatch repair cancer syndrome 4. Last evaluated: 2022-05-17. Review status: criteria provided, single submitter. Criteria: ACMG Guidelines, 2015. Collection method: clinical testing. Allele origin: unknown.

Literature cited by the submitters: PubMed 25980754 (cited by Women's Health and Genetics/Laboratory Corporation of America, LabCorp).